The following is an entry in ClinVar:

NM_001458.5(FLNC):c.5558A>G (p.Tyr1853Cys)

Genes: FLNC (filamin C; plus strand), FLNC-AS1 (FLNC antisense RNA 1; minus strand). Cytogenetic location: 7q32.1.
Variant type: single nucleotide variant.
Coding change: c.5558A>G on transcript NM_001458.5 (MANE Select); coding-DNA position 5558, A replaced by G.
Protein change: p.Tyr1853Cys; replaces tyrosine 1853 with cysteine.
Molecular consequence: missense variant.
Genome position (GRCh38, 1-based): chr7:128,851,250, A>G. VCF-style: chr7-128851250-A-G. GRCh37 (hg19) VCF-style: chr7-128491304-A-G.
Other names: c.5459A>G, p.Tyr1820Cys (NM_001127487.2); short protein forms Y1820C, Y1853C.
Identifiers: ClinVar variation 2942185 (VCV002942185.3), dbSNP rs892906649, ClinGen allele CA369207248.

ClinVar aggregate classification (germline): Uncertain significance (1 of 4 stars; one submission).

Conditions:
Hypertrophic cardiomyopathy 26. Also called: Cardiomyopathy, familial hypertrophic, 26. Identifiers: Orphanet 75249, MedGen C4310749, MONDO:0014883, OMIM 617047.
Myofibrillar myopathy 5. Also called: Filaminopathy (type); FILAMINOPATHY, AUTOSOMAL DOMINANT. Identifiers: Orphanet 171445, MedGen C1836050, MONDO:0012289, OMIM 609524.
Distal myopathy with posterior leg and anterior hand involvement. Also called: WILLIAMS DISTAL MYOPATHY. Identifiers: Orphanet 63273, MedGen C3279722, MONDO:0013550, OMIM 614065.

Submission:

Labcorp Genetics (formerly Invitae), Labcorp
Classification: Uncertain significance for Distal myopathy with posterior leg and anterior hand involvement; Myofibrillar myopathy 5; Hypertrophic cardiomyopathy 26. Last evaluated: 2024-09-05. Review status: criteria provided, single submitter. Criteria: Invitae Variant Classification Sherloc (09022015). Collection method: clinical testing. Allele origin: germline.
Comment: This sequence change replaces tyrosine, which is neutral and polar, with cysteine, which is neutral and slightly polar, at codon 1853 of the FLNC protein (p.Tyr1853Cys). This variant is not present in population databases (gnomAD no frequency). This variant has not been reported in the literature in individuals affected with FLNC-related conditions. Invitae Evidence Modeling of protein sequence and biophysical properties (such as structural, functional, and spatial information, amino acid conservation, physicochemical variation, residue mobility, and thermodynamic stability) has been performed for this missense variant. However, the output from this modeling did not meet the statistical confidence thresholds required to predict the impact of this variant on FLNC protein function. In summary, the available evidence is currently insufficient to determine the role of this variant in disease. Therefore, it has been classified as a Variant of Uncertain Significance.